The following is an entry in ClinVar:

ClinVar aggregate classification (germline): Likely pathogenic (1 of 4 stars; one submission).

Allele frequency attached by ClinVar (database versions not stated): ExAC 0.00001; gnomAD exomes 0.00001.
gnomAD v4.1: 3 of 1,606,702 alleles (0.00019%); highest among the groups gnomAD compares: South Asian, 0.0033%; no homozygotes.

Submission:

Labcorp Genetics (formerly Invitae), Labcorp
Classification: Likely pathogenic. Last evaluated: 2023-04-18. Review status: criteria provided, single submitter. Criteria: Invitae Variant Classification Sherloc (09022015). Collection method: clinical testing. Allele origin: germline.
Comment: In summary, the currently available evidence indicates that the variant is pathogenic, but additional data are needed to prove that conclusively. Therefore, this variant has been classified as Likely Pathogenic. Algorithms developed to predict the effect of sequence changes on RNA splicing suggest that this variant may disrupt the consensus splice site. ClinVar contains an entry for this variant (Variation ID: 1992771). This variant has not been reported in the literature in individuals affected with STAMBP-related conditions. This variant is present in population databases (rs776345834, gnomAD 0.003%). This sequence change affects an acceptor splice site in intron 7 of the STAMBP gene. It is expected to disrupt RNA splicing. Variants that disrupt the donor or acceptor splice site typically lead to a loss of protein function (PMID: 16199547), and loss-of-function variants in STAMBP are known to be pathogenic (PMID: 23542699).

Literature cited by the submitters: PubMed 16199547; PubMed 23542699.

NM_213622.4(STAMBP):c.868-1G>A

Gene: STAMBP (STAM binding protein; plus strand). Cytogenetic location: 2p13.1.
Variant type: single nucleotide variant.
Coding change: c.868-1G>A on transcript NM_213622.4 (MANE Select); the canonical splice acceptor site of the intron before coding-DNA position 868, G replaced by A.
Molecular consequence: splice acceptor variant.
Genome position (GRCh38, 1-based): chr2:73,850,375, G>A. VCF-style: chr2-73850375-G-A. GRCh37 (hg19) VCF-style: chr2-74077502-G-A.
Other names: c.463-1G>A (NM_001353976.2, NM_001353974.2, NM_001353975.2 and 3 more transcripts); c.868-1G>A (NM_001353970.2, NM_006463.6, NM_001353968.2 and 3 more transcripts).
Identifiers: ClinVar variation 1992771 (VCV001992771.4), dbSNP rs776345834, ClinGen allele CA1717654.